The following is an entry in ClinVar:

NM_000535.7(PMS2):c.269_270dup (p.Lys91fs)

Gene: PMS2 (PMS1 homolog 2, mismatch repair system component; minus strand). Cytogenetic location: 7p22.1.
Variant type: Duplication.
Coding change: c.269_270dup on transcript NM_000535.7 (MANE Select); coding-DNA positions 269 to 270, 2 bases duplicated (CT; older notation c.269_270dupCT).
Protein change: p.Lys91fs; shifts the reading frame from lysine 91.
Molecular consequence: frameshift variant. On other transcripts: 5 prime UTR variant (9), non-coding transcript variant (1), intron variant (2).
Genome position (GRCh38, 1-based): chr7:6,003,773-6,003,774, AG duplicated on the plus strand (CT on the coding strand, the reverse complement: PMS2 is on the minus strand); duplicating any 2 consecutive bases within chr7:6,003,773-6,003,775 gives the same sequence; the c. name uses the placement nearest the transcript's 3' end. VCF-style (leftmost placement, unchanged base first): chr7-6003772-T-TAG. GRCh37 (hg19) VCF-style: chr7-6043403-T-TAG.
Other names: c.269_270dupCT (NM_000535.5); c.-137_-136dup (NM_001322003.2, NM_001322004.2, NM_001322005.2 and 3 more transcripts); c.269_270dup, p.Lys91fs (NM_001322006.2, NM_001322014.2); c.-616_-615dup (NM_001322011.2, NM_001322012.2); c.-216_-215dup (NM_001322015.2); c.35+198_35+199dup (NM_001322008.2, NM_001322007.2); short protein forms K91fs.
Identifiers: ClinVar variation 548899 (VCV000548899.19), dbSNP rs1554304745, ClinGen allele CA658822983.
Genomic context (GRCh38, chr7:6,003,772, plus strand): 5'-GAGCTTCCCCCCGAAAGCCAAAAGTTTCAACCTGAGTTAGGTCGGCAAACTCTTGAATCT[T>TAG]AGATGTGTGATGTTTCAGAGCTGAAAGAGAGTGTAAAGTAAGGACTAAGATATCTCAAGT-3'

ClinVar aggregate classification (germline): Pathogenic/Likely pathogenic. Review status: criteria provided, multiple submitters, no conflicts (2 of 4 stars). 7 submissions from 7 submitters: Pathogenic (5); Likely pathogenic (1). 1 of the submissions does not count toward it. Last evaluated 2026-02-17.

Conditions:
Hereditary nonpolyposis colorectal neoplasms. Identifiers: MedGen C0009405, MeSH D003123.
Hereditary cancer-predisposing syndrome. Also called: Neoplastic Syndromes, Hereditary; Hereditary Cancer Syndrome; Tumor predisposition; Hereditary neoplastic syndrome. Identifiers: Orphanet 140162, MedGen C0027672, MeSH D009386, MONDO:0015356.
Lynch syndrome 4 (LYNCH4). Also called: Colorectal cancer, hereditary nonpolyposis, type 4; Hereditary non-polyposis colorectal cancer, type 4. Identifiers: Orphanet 144, MedGen C1838333, MONDO:0013699, OMIM 614337. Disease mechanism: loss of function.

Submissions (7):

GeneDx
Classification: Pathogenic. Last evaluated: 2026-02-17. Review status: criteria provided, single submitter. Criteria: GeneDx Variant Classification Process June 2021. Collection method: clinical testing. Allele origin: germline.
Comment: Frameshift variant predicted to result in protein truncation or nonsense mediated decay in a gene for which loss of function is a known mechanism of disease; Truncating variants in this gene are considered pathogenic by a well-established clinical consortium and/or database; Not observed at significant frequency in large population cohorts (gnomAD); Has not been previously published as pathogenic or benign to our knowledge

Ambry Genetics
Classification: Pathogenic for Hereditary cancer-predisposing syndrome. Last evaluated: 2025-03-16. Review status: criteria provided, single submitter. Criteria: Ambry Variant Classification Scheme 2023. Collection method: clinical testing. Allele origin: germline.
Comment: The c.269_270dupCT pathogenic mutation, located in coding exon 4 of the PMS2 gene, results from a duplication of CT at nucleotide position 269, causing a translational frameshift with a predicted alternate stop codon (p.K91Lfs*9). This variant is considered to be rare based on population cohorts in the Genome Aggregation Database (gnomAD). This alteration is expected to result in loss of function by premature protein truncation or nonsense-mediated mRNA decay. As such, this alteration is interpreted as a disease-causing mutation.

Myriad Genetics, Inc.
Classification: Pathogenic for Lynch syndrome 4. Last evaluated: 2023-04-03. Review status: criteria provided, single submitter. Criteria: Myriad Autosomal Dominant, Autosomal Recessive and X-Linked Classification Criteria (2023). Collection method: clinical testing. Allele origin: unknown.
Comment: This variant is considered pathogenic. This variant creates a frameshift predicted to result in premature protein truncation.

Labcorp Genetics (formerly Invitae), Labcorp
Classification: Pathogenic for Hereditary nonpolyposis colorectal neoplasms. Last evaluated: 2021-08-16. Review status: criteria provided, single submitter. Criteria: Invitae Variant Classification Sherloc (09022015). Collection method: clinical testing. Allele origin: germline.
Comment: This sequence change creates a premature translational stop signal (p.Lys91Leufs*9) in the PMS2 gene. It is expected to result in an absent or disrupted protein product. This variant is not present in population databases (ExAC no frequency). This variant has not been reported in the literature in individuals with PMS2-related conditions. ClinVar contains an entry for this variant (Variation ID: 548899). Loss-of-function variants in PMS2 are known to be pathogenic (PMID: 21376568, 24362816). For these reasons, this variant has been classified as Pathogenic.

Color Diagnostics, LLC DBA Color Health
Classification: Pathogenic for Hereditary cancer-predisposing syndrome. Last evaluated: 2020-01-15. Review status: criteria provided, single submitter. Criteria: ACMG Guidelines, 2015. Collection method: clinical testing. Allele origin: germline.
Comment: This variant inserts 2 nucleotides in exon 4 of the PMS2 gene, creating a frameshift and premature translation stop signal. This variant is expected to result in an absent or non-functional protein product. This variant has not been identified in the general population by the Genome Aggregation Database (gnomAD). Loss of PMS2 function is a known mechanism of disease. Based on the available evidence, this variant is classified as Pathogenic.

Quest Diagnostics Nichols Institute San Juan Capistrano
Classification: Likely pathogenic. Last evaluated: 2019-02-03. Review status: criteria provided, single submitter. Criteria: Quest Diagnostics criteria. Collection method: clinical testing. Allele origin: germline.
Comment: The variant results in a shift of the reading frame, and is therefore predicted to result in the loss of a functional protein. Not found in the gnomAD exomes dataset, and the data is high quality (0/242162 chr).

Counsyl
Classification: Likely pathogenic for Lynch syndrome 4. Last evaluated: 2018-04-29. Review status: no assertion criteria provided. Collection method: clinical testing. Allele origin: unknown. Not counted in ClinVar's aggregate classification.

Literature cited by the submitters: PubMed 21376568 (cited by Labcorp Genetics (formerly Invitae), Labcorp); PubMed 24362816 (cited by Labcorp Genetics (formerly Invitae), Labcorp).